The following is an entry in ClinVar:

NM_144973.4(DENND5B):c.2569A>G (p.Ser857Gly)

Gene: DENND5B (DENN domain containing 5B; minus strand). Cytogenetic location: 12p11.21.
Variant type: single nucleotide variant.
Coding change: c.2569A>G on transcript NM_144973.4 (MANE Select); coding-DNA position 2569, A replaced by G.
Protein change: p.Ser857Gly; replaces serine 857 with glycine.
Molecular consequence: missense variant.
Genome position (GRCh38, 1-based): chr12:31,413,548, T>C on the plus strand (A>G on the coding strand, the complement: DENND5B is on the minus strand). VCF-style: chr12-31413548-T-C. GRCh37 (hg19) VCF-style: chr12-31566482-T-C.
Other names: c.2674A>G, p.Ser892Gly (NM_001308339.2); short protein forms S857G, S892G.
Identifiers: ClinVar variation 3381671 (VCV003381671.1).
Genomic context (GRCh38, chr12:31,413,548, plus strand): 5'-TCTTTTCTAGAGACAGTCTTATCCACGCCCGAGCTCGTCCAACATCAGTCTTGATCTCAC[T>C]CATGTTTTGAATATGCCTAAAGAATAGTGGCAACAGCAAAGATGTAGATTTTAAGGATAA-3'
Protein context (NP_659410.3, residues 847-867): IQDMRHIQNM[Ser857Gly]EIKTDVGRAR

ClinVar aggregate classification (germline): Uncertain significance (1 of 4 stars; one submission).

gnomAD v4.1: 1 of 1,612,676 alleles (0.000062%); highest among the groups gnomAD compares: Non-Finnish European, 0.000085%; no homozygotes.

Submission:

GeneDx
Classification: Uncertain significance. Last evaluated: 2024-05-22. Review status: criteria provided, single submitter. Criteria: GeneDx Variant Classification Process June 2021. Collection method: clinical testing. Allele origin: germline. Affected: yes.
Comment: Not observed at significant frequency in large population cohorts (gnomAD); In silico analysis indicates that this missense variant does not alter protein structure/function; Has not been previously published as pathogenic or benign to our knowledge